The following is an entry in ClinVar:

ClinVar aggregate classification (germline): Likely benign. Review status: criteria provided, multiple submitters, no conflicts (2 of 4 stars). 5 submissions from 5 submitters: Likely benign (4). 1 of the submissions does not count toward it. Last evaluated 2026-01-18.

Conditions:
BRCA2-related disorder. Also called: BRCA2-related condition; BRCA2-related disorders. Identifiers: MedGen CN239275.
Hereditary cancer-predisposing syndrome. Also called: Neoplastic Syndromes, Hereditary; Tumor predisposition; Hereditary Cancer Syndrome; Hereditary neoplastic syndrome. Identifiers: Orphanet 140162, MedGen C0027672, MeSH D009386, MONDO:0015356.
Hereditary breast ovarian cancer syndrome. Also called: BRCA1- and BRCA2-Associated Hereditary Breast and Ovarian Cancer; Hereditary breast and ovarian cancer; Hereditary breast and ovarian cancer syndrome; Hereditary breast and ovarian cancer syndrome (HBOC); Breast and ovarian cancer; Hereditary breast and/or ovarian cancer syndrome. Identifiers: Orphanet 145, MedGen C0677776, MeSH D061325, MONDO:0003582. Disease mechanism: loss of function.
Breast-ovarian cancer, familial, susceptibility to, 2 (BROVCA2). Also called: BRCA2 Hereditary Breast and Ovarian Cancer. Identifiers: Orphanet 145, MedGen C2675520, MONDO:0012933, OMIM 612555. Disease mechanism: loss of function.

Allele frequency attached by ClinVar (database versions not stated): TOPMed below 0.00001; gnomAD exomes 0.00001.
gnomAD v4.1: 11 of 1,605,332 alleles (0.00069%); highest among the groups gnomAD compares: Non-Finnish European, 0.00094%; no homozygotes.

Submissions (5):

Labcorp Genetics (formerly Invitae), Labcorp
Classification: Likely benign for Hereditary breast ovarian cancer syndrome. Last evaluated: 2026-01-18. Review status: criteria provided, single submitter. Criteria: Invitae Variant Classification Sherloc (09022015). Collection method: clinical testing. Allele origin: germline.

PreventionGenetics, part of Exact Sciences
Classification: Likely benign for BRCA2-related condition. Last evaluated: 2025-09-24. Review status: criteria provided, single submitter. Criteria: ACMG Guidelines, 2015. Collection method: clinical testing. Allele origin: germline.
Comment: This variant is classified as likely benign based on ACMG/AMP sequence variant interpretation guidelines (Richards et al. 2015 PMID: 25741868, with internal and published modifications).

GeneDx
Classification: Likely benign. Last evaluated: 2021-05-25. Review status: criteria provided, single submitter. Criteria: GeneDx Variant Classification Process June 2021. Collection method: clinical testing. Allele origin: germline. Affected: yes.
Comment: This variant is associated with the following publications: (PMID: 31131967)

Color Diagnostics, LLC DBA Color Health
Classification: Likely benign for Hereditary cancer-predisposing syndrome. Last evaluated: 2016-02-10. Review status: criteria provided, single submitter. Criteria: ACMG Guidelines, 2015. Collection method: clinical testing. Allele origin: germline.

Breast Cancer Information Core (BIC) (BRCA2)
Classification: Uncertain significance for Breast-ovarian cancer, familial 2. Last evaluated: 2002-05-29. Review status: no assertion criteria provided. Collection method: clinical testing. Allele origin: germline. Affected: yes. Observed: 1 variant allele. Not counted in ClinVar's aggregate classification.

NM_000059.4(BRCA2):c.426-12G>A

Gene: BRCA2 (BRCA2 DNA repair associated; plus strand). Cytogenetic location: 13q13.1.
Variant type: single nucleotide variant.
Coding change: c.426-12G>A on transcript NM_000059.4 (MANE Select); 12 bases into the intron before coding-DNA position 426, G replaced by A.
Molecular consequence: intron variant.
Genome position (GRCh38, 1-based): chr13:32,326,089, G>A. VCF-style: chr13-32326089-G-A. GRCh37 (hg19) VCF-style: chr13-32900226-G-A.
Other names: IVS4-12G>A.
Identifiers: ClinVar variation 126096 (VCV000126096.18), dbSNP rs81002880, ClinGen allele CA019842.